The following is an entry in ClinVar:

NM_004168.4(SDHA):c.1000G>T (p.Ala334Ser)

Gene: SDHA (succinate dehydrogenase complex flavoprotein subunit A; plus strand). Cytogenetic location: 5p15.33.
Variant type: single nucleotide variant.
Coding change: c.1000G>T on transcript NM_004168.4 (MANE Select); coding-DNA position 1000, G replaced by T.
Protein change: p.Ala334Ser; replaces alanine 334 with serine.
Molecular consequence: missense variant.
Genome position (GRCh38, 1-based): chr5:233,581, G>T. VCF-style: chr5-233581-G-T. GRCh37 (hg19) VCF-style: chr5-233696-G-T.
Other names: c.856G>T, p.Ala286Ser (NM_001294332.2); c.1000G>T, p.Ala334Ser (NM_001330758.2); short protein forms A286S, A334S.
Identifiers: ClinVar variation 1716800 (VCV001716800.8), dbSNP rs1401459296, ClinGen allele CA359012818.
Genomic context (GRCh38, chr5:233,581, plus strand): 5'-GAGGGAGGCATTCTCATTAACAGTCAAGGCGAAAGGTTTATGGAGCGATACGCCCCTGTC[G>T]CGAAGGACCTGGCGTCTAGAGATGTGGTGTCTCGGTCCATGACTCTGGAGATCCGAGAAG-3'
Protein context (NP_004159.2, residues 324-344): ERFMERYAPV[Ala334Ser]KDLASRDVVS

ClinVar aggregate classification (germline): Uncertain significance. Review status: criteria provided, multiple submitters, no conflicts (2 of 4 stars). 2 submissions from 2 submitters: Uncertain significance (2). Last evaluated 2024-07-19.

Conditions:
Mitochondrial complex II deficiency, nuclear type 1. Also called: SUCCINATE CoQ REDUCTASE DEFICIENCY. Identifiers: Orphanet 3208, MedGen C5700310, MONDO:0100294, OMIM 252011.
Pheochromocytoma/paraganglioma syndrome 5. Also called: Paragangliomas 5; SDHA-Related Hereditary Paraganglioma-Pheochromocytoma Syndrome. Identifiers: Orphanet 29072, MedGen C3279992, MONDO:0013602, OMIM 614165.
Hereditary cancer-predisposing syndrome. Also called: Hereditary Cancer Syndrome; Hereditary neoplastic syndrome; Neoplastic Syndromes, Hereditary; Tumor predisposition. Identifiers: Orphanet 140162, MedGen C0027672, MeSH D009386, MONDO:0015356.

Submissions (2):

Labcorp Genetics (formerly Invitae), Labcorp
Classification: Uncertain significance for Pheochromocytoma/paraganglioma syndrome 5; Mitochondrial complex II deficiency, nuclear type 1. Last evaluated: 2024-07-19. Review status: criteria provided, single submitter. Criteria: Invitae Variant Classification Sherloc (09022015). Collection method: clinical testing. Allele origin: germline.
Comment: This sequence change replaces alanine, which is neutral and non-polar, with serine, which is neutral and polar, at codon 334 of the SDHA protein (p.Ala334Ser). This variant is not present in population databases (gnomAD no frequency). This variant has not been reported in the literature in individuals affected with SDHA-related conditions. ClinVar contains an entry for this variant (Variation ID: 1716800). Advanced modeling of protein sequence and biophysical properties (such as structural, functional, and spatial information, amino acid conservation, physicochemical variation, residue mobility, and thermodynamic stability) performed at Invitae indicates that this missense variant is not expected to disrupt SDHA protein function with a negative predictive value of 95%. In summary, the available evidence is currently insufficient to determine the role of this variant in disease. Therefore, it has been classified as a Variant of Uncertain Significance.

Ambry Genetics
Classification: Uncertain significance for Hereditary cancer-predisposing syndrome. Last evaluated: 2022-02-22. Review status: criteria provided, single submitter. Criteria: Ambry Variant Classification Scheme 2023. Collection method: clinical testing. Allele origin: germline.
Comment: The p.A334S variant (also known as c.1000G>T), located in coding exon 8 of the SDHA gene, results from a G to T substitution at nucleotide position 1000. The alanine at codon 334 is replaced by serine, an amino acid with similar properties. This amino acid position is conserved. In addition, the in silico prediction for this alteration is inconclusive. Since supporting evidence is limited at this time, the clinical significance of this alteration remains unclear.